The following is an entry in ClinVar:

NM_018249.6(CDK5RAP2):c.2294C>G (p.Pro765Arg)

Gene: CDK5RAP2 (CDK5 regulatory subunit associated protein 2; minus strand). Cytogenetic location: 9q33.2.
Variant type: single nucleotide variant.
Coding change: c.2294C>G on transcript NM_018249.6 (MANE Select); coding-DNA position 2294, C replaced by G.
Protein change: p.Pro765Arg; replaces proline 765 with arginine.
Molecular consequence: missense variant. On other transcripts: non-coding transcript variant (5), intron variant (1).
Genome position (GRCh38, 1-based): chr9:120,458,531, G>C on the plus strand (C>G on the coding strand, the complement: CDK5RAP2 is on the minus strand). VCF-style: chr9-120458531-G-C. GRCh37 (hg19) VCF-style: chr9-123220809-G-C.
Other names: c.2294C>G, p.Pro765Arg (NM_001011649.3); c.2103+9329C>G (NM_001272039.2); short protein forms P765R.
Identifiers: ClinVar variation 158134 (VCV000158134.21), dbSNP rs139706626, ClinGen allele CA171569.
Genomic context (GRCh38, chr9:120,458,531, plus strand): 5'-GCCTTCTCATTGAACAAAGGGGCAAGCAGGTTTATGAATGCACCTTCTTCTAGGCAGCCA[G>C]GTGCGTGGGCCCCATCACAATCTGAAATCTTAGACTCCGTGTGCCTTAAGTATCCATTTT-3'
Protein context (NP_060719.4, residues 755-775): KISDCDGAHA[Pro765Arg]GCLEEGAFIN

ClinVar aggregate classification (germline): Benign/Likely benign. Review status: criteria provided, multiple submitters, no conflicts (2 of 4 stars). 5 submissions from 5 submitters: Benign (1); Likely benign (4). Last evaluated 2025-10-29.

Conditions:
Microcephaly 3, primary, autosomal recessive. Identifiers: Orphanet 2512, MedGen C1858108, MONDO:0011488, OMIM 604804.

Allele frequency attached by ClinVar (database versions not stated): ESP Exome Variant Server 0.00015; gnomAD exomes 0.00039 and 0.00158; gnomAD 0.00052 and 0.00078; TOPMed 0.00076; ExAC 0.00147; 1000 Genomes Project 30x 0.00515; 1000 Genomes Project 0.00579.
gnomAD v4.1: 770 of 1,614,164 alleles (0.048%); highest among the groups gnomAD compares: East Asian, 1.2%; 5 homozygotes.

Submissions (5):

Labcorp Genetics (formerly Invitae), Labcorp
Classification: Benign. Last evaluated: 2025-10-29. Review status: criteria provided, single submitter. Criteria: Invitae Variant Classification Sherloc (09022015). Collection method: clinical testing. Allele origin: germline.

GeneDx
Classification: Likely benign. Last evaluated: 2019-03-17. Review status: criteria provided, single submitter. Criteria: GeneDx Variant Classification Process June 2021. Collection method: clinical testing. Allele origin: germline. Affected: yes.

Illumina Laboratory Services, Illumina
Classification: Likely benign for Microcephaly 3, primary, autosomal recessive. Last evaluated: 2018-01-13. Review status: criteria provided, single submitter. Criteria: ICSL Variant Classification Criteria 13 December 2019. Collection method: clinical testing. Allele origin: germline.
Comment: This variant was observed in the ICSL laboratory as part of a predisposition screen in an ostensibly healthy population. It had not been previously curated by ICSL or reported in the Human Gene Mutation Database (HGMD: prior to June 1st, 2018), and was therefore a candidate for classification through an automated scoring system. Utilizing variant allele frequency, disease prevalence and penetrance estimates, and inheritance mode, an automated score was calculated to assess if this variant is too frequent to cause the disease. Based on the score and internal cut-off values, a variant classified as likely benign is not then subjected to further curation. The score for this variant resulted in a classification of likely benign for this disease.

Genetic Services Laboratory, University of Chicago
Classification: Likely benign. Last evaluated: 2013-02-08. Review status: criteria provided, single submitter. Criteria: ACMG Guidelines, 2007. Collection method: clinical testing. Allele origin: germline. Inheritance: Autosomal recessive inheritance.

Breakthrough Genomics
Classification: Likely benign. Review status: criteria provided, single submitter. Criteria: ACMG Guidelines, 2015. Collection method: not provided. Allele origin: germline. Inheritance: Autosomal recessive inheritance. Affected: yes.